The following is an entry in ClinVar:

NM_005215.4(DCC):c.3098T>A (p.Leu1033His)

Gene: DCC (DCC netrin 1 receptor; plus strand). Cytogenetic location: 18q21.2.
Variant type: single nucleotide variant.
Coding change: c.3098T>A on transcript NM_005215.4 (MANE Select); coding-DNA position 3098, T replaced by A.
Protein change: p.Leu1033His; replaces leucine 1033 with histidine.
Molecular consequence: missense variant.
Genome position (GRCh38, 1-based): chr18:53,410,614, T>A. VCF-style: chr18-53410614-T-A. GRCh37 (hg19) VCF-style: chr18-50936984-T-A.
Other names: short protein forms L1033H.
Identifiers: ClinVar variation 4875520 (VCV004875520.1).

ClinVar aggregate classification (germline): VUS-mid (1 of 4 stars; one submission).

Conditions:
Gaze palsy, familial horizontal, with progressive scoliosis, 2. Also called: GAZE PALSY, FAMILIAL HORIZONTAL, WITH PROGRESSIVE SCOLIOSIS 2, WITH IMPAIRED INTELLECTUAL DEVELOPMENT; DEVELOPMENTAL SPLIT-BRAIN SYNDROME. Identifiers: MedGen C4479640, MONDO:0054602, OMIM 617542.

gnomAD v4.1: 37 of 1,608,390 alleles (0.0023%); highest among the groups gnomAD compares: South Asian, 0.04%; no homozygotes.

Submission:

Kasturba Medical College, Manipal, Kasturba Medical College, Manipal, Manipal Academy of Higher Education, Manipal, India
Classification: VUS-mid for Gaze palsy, familial horizontal, with progressive scoliosis, 2. Review status: criteria provided, single submitter. Criteria: ACMG Guidelines, 2015. Collection method: research. Allele origin: unknown. Inheritance: Autosomal recessive inheritance. Affected: yes. Observed: 1 variant allele, 1 homozygote.
Comment: This variant is not observed in homozygous state in gnomAD (v4.1.1) population database and our in-house database of 4303 individuals. The same variant in observed in heterozygous state in 37 individuals in gnomAD population database and one individual in our in-house database of 4303 individuals. In-silico prediction tools (MutationTaster and CADD_phred) are consistent in predicting the variant to be damaging to DCC protein function. The clinical features observed in the proband overlap with individuals reported with gaze palsy, familial horizontal, with progressive scoliosis, 2.